The following is an entry in ClinVar:

NM_006017.3(PROM1):c.2590C>T (p.Gln864Ter)

Gene: PROM1 (prominin 1; minus strand). Cytogenetic location: 4p15.32.
Variant type: single nucleotide variant.
Coding change: c.2590C>T on transcript NM_006017.3 (MANE Select); coding-DNA position 2590, C replaced by T.
Protein change: p.Gln864Ter; replaces glutamine 864 with a stop codon.
Molecular consequence: nonsense.
Genome position (GRCh38, 1-based): chr4:15,971,075, G>A on the plus strand (C>T on the coding strand, the complement: PROM1 is on the minus strand). VCF-style: chr4-15971075-G-A. GRCh37 (hg19) VCF-style: chr4-15972698-G-A.
Other names: c.2563C>T, p.Gln855Ter (NM_001145847.2, NM_001145848.2, NM_001371406.1); c.2521C>T, p.Gln841Ter (NM_001145849.2); c.2497C>T, p.Gln833Ter (NM_001145850.2); c.2494C>T, p.Gln832Ter (NM_001145851.2); c.2470C>T, p.Gln824Ter (NM_001145852.2, NM_001371407.1, NM_001371408.1); short protein forms Q832*, Q824*, Q833*, Q841*, Q855*, Q864*.
Identifiers: ClinVar variation 861100 (VCV000861100.9), dbSNP rs566891826, ClinGen allele CA2866292.
Genomic context (GRCh38, chr4:15,971,075, plus strand): 5'-TTCTCTTCAATGAAAGCATCAAACTTACCTCAAGCAGTTTCAACATCAGCTATCAATGTT[G>A]TGATGGGCTAAAAAACAAAAAAATAAAGAAATATAATACCCCCAACAAAGCTGTGGGTGG-3'

ClinVar aggregate classification (germline): Uncertain significance. Review status: criteria provided, multiple submitters, no conflicts (2 of 4 stars). 3 submissions from 3 submitters: Uncertain significance (3). Last evaluated 2025-12-16.

Conditions:
PROM1-related disorder. Also called: PROM1-related condition; PROM1-related disorders.

Allele frequency attached by ClinVar (database versions not stated): TOPMed 0.00005; gnomAD exomes 0.00007; ExAC 0.00010; gnomAD 0.00014 and 0.00015.

Submissions (3):

PreventionGenetics, part of Exact Sciences
Classification: Uncertain significance for PROM1-related condition. Last evaluated: 2025-12-16. Review status: criteria provided, single submitter. Criteria: ACMG Guidelines, 2015. Collection method: clinical testing. Allele origin: germline.
Comment: The PROM1 c.2590C>T variant is predicted to result in premature protein termination (p.Gln864*). To our knowledge, this variant has not been reported in the literature. This variant is present in 0.030% of alleles in individuals of Latino descent in gnomAD. While this variant is predicted to cause a premature termination codon, no other loss of function variants have been reported downstream of this variant (Human Gene Mutation Database). At this time, the clinical significance of this variant is uncertain due to the absence of conclusive functional and genetic evidence.

Labcorp Genetics (formerly Invitae), Labcorp
Classification: Uncertain significance. Last evaluated: 2025-08-18. Review status: criteria provided, single submitter. Criteria: Invitae Variant Classification Sherloc (09022015). Collection method: clinical testing. Allele origin: germline.
Comment: This sequence change creates a premature translational stop signal (p.Gln864*) in the PROM1 gene. While this is not anticipated to result in nonsense mediated decay, it is expected to disrupt the last 2 amino acid(s) of the PROM1 protein. This variant is present in population databases (rs566891826, gnomAD 0.03%). This variant has not been reported in the literature in individuals affected with PROM1-related conditions. ClinVar contains an entry for this variant (Variation ID: 861100). Experimental studies and prediction algorithms are not available or were not evaluated, and the functional significance of this variant is currently unknown. Algorithms developed to predict the effect of sequence changes on RNA splicing suggest that this variant may disrupt the consensus splice site. In summary, the available evidence is currently insufficient to determine the role of this variant in disease. Therefore, it has been classified as a Variant of Uncertain Significance.

Blueprint Genetics
Classification: Uncertain significance. Last evaluated: 2024-03-20. Review status: criteria provided, single submitter. Criteria: ACMG Guidelines, 2015. Collection method: clinical testing. Allele origin: germline.